The following is an entry in ClinVar:

ClinVar aggregate classification (germline): Conflicting classifications of pathogenicity. Review status: criteria provided, conflicting classifications (1 of 4 stars). 6 submissions from 6 submitters: Uncertain significance (5); Likely benign (1). Last evaluated 2026-01-17.

Conditions:
Pulmonary fibrosis and/or bone marrow failure, Telomere-related, 3. Also called: PULMONARY FIBROSIS AND/OR BONE MARROW FAILURE SYNDROME, TELOMERE-RELATED, 3. Identifiers: Orphanet 2032, MedGen C4225346, MONDO:0014613, OMIM 616373.
Dyskeratosis congenita, autosomal recessive 5 (DKCB5). Identifiers: MedGen C3554656, MONDO:0014076, OMIM 615190.
Inborn genetic diseases. Identifiers: MedGen C0950123, MeSH D030342.

Allele frequency attached by ClinVar (database versions not stated): gnomAD 0.00022 and 0.00021; ESP Exome Variant Server 0.00008; gnomAD exomes 0.00016; 1000 Genomes Project 30x 0.00031; ExAC 0.00009; TOPMed 0.00018; 1000 Genomes Project 0.00020.
gnomAD v4.1: 102 of 1,612,396 alleles (0.0063%); highest among the groups gnomAD compares: Admixed American, 0.14%; no homozygotes.

Submissions (6):

Labcorp Genetics (formerly Invitae), Labcorp
Classification: Uncertain significance for Dyskeratosis congenita, autosomal recessive 5; Pulmonary fibrosis and/or bone marrow failure, Telomere-related, 3. Last evaluated: 2026-01-17. Review status: criteria provided, single submitter. Criteria: Invitae Variant Classification Sherloc (09022015). Collection method: clinical testing. Allele origin: germline.
Comment: This sequence change replaces proline, which is neutral and non-polar, with leucine, which is neutral and non-polar, at codon 1141 of the RTEL1 protein (p.Pro1141Leu). This variant is present in population databases (rs201682415, gnomAD 0.09%). This variant has not been reported in the literature in individuals affected with RTEL1-related conditions. ClinVar contains an entry for this variant (Variation ID: 658266). An algorithm developed to predict the effect of missense changes on protein structure and function outputs the following: PolyPhen-2: "Benign". The leucine amino acid residue is found in multiple mammalian species, which suggests that this missense change does not adversely affect protein function. In summary, the available evidence is currently insufficient to determine the role of this variant in disease. Therefore, it has been classified as a Variant of Uncertain Significance.

Ambry Genetics
Classification: Likely benign for Inborn genetic diseases. Last evaluated: 2025-05-16. Review status: criteria provided, single submitter. Criteria: Ambry Variant Classification Scheme 2023. Collection method: clinical testing. Allele origin: germline.

Women's Health and Genetics/Laboratory Corporation of America, LabCorp
Classification: Uncertain significance. Last evaluated: 2023-12-18. Review status: criteria provided, single submitter. Criteria: LabCorp Variant Classification Summary - May 2015. Collection method: clinical testing. Allele origin: germline.
Comment: Variant summary: RTEL1 c.3494C>T (p.Pro1165Leu) results in a non-conservative amino acid change in the encoded protein sequence. Four of five in-silico tools predict a benign effect of the variant on protein function. The variant allele was found at a frequency of 0.00016 in 245404 control chromosomes. This frequency is not significantly higher than estimated for a pathogenic variant in RTEL1 causing Dyskeratosis Congenita (Hoyeraal Hreidarsson Syndrome) (0.00016 vs 0.0011), allowing no conclusion about variant significance. To our knowledge, no occurrence of c.3494C>T in individuals affected with Dyskeratosis Congenita (Hoyeraal Hreidarsson Syndrome) and no experimental evidence demonstrating its impact on protein function have been reported. Five submitters have cited clinical-significance assessments for this variant to ClinVar after 2014, classifying the variant as uncertain significance (n=4) or likely benign (n=1). Based on the evidence outlined above, the variant was classified as uncertain significance.

GeneDx
Classification: Uncertain significance. Last evaluated: 2023-09-13. Review status: criteria provided, single submitter. Criteria: GeneDx Variant Classification Process June 2021. Collection method: clinical testing. Allele origin: germline. Affected: yes.
Comment: In silico analysis supports that this missense variant has a deleterious effect on protein structure/function; Has not been previously published as pathogenic or benign to our knowledge

Fulgent Genetics
Classification: Uncertain significance for Dyskeratosis congenita, autosomal recessive 5; Pulmonary fibrosis and/or bone marrow failure, Telomere-related, 3. Last evaluated: 2021-08-09. Review status: criteria provided, single submitter. Criteria: ACMG Guidelines, 2015. Collection method: clinical testing. Allele origin: unknown.

Revvity Omics, Revvity
Classification: Uncertain significance. Last evaluated: 2020-01-03. Review status: criteria provided, single submitter. Criteria: ACMG Guidelines, 2015. Collection method: clinical testing. Allele origin: germline.

NM_001283009.2(RTEL1):c.3422C>T (p.Pro1141Leu)

Genes: RTEL1 (regulator of telomere elongation helicase 1; plus strand), RTEL1-TNFRSF6B (RTEL1-TNFRSF6B readthrough (NMD candidate); plus strand). Cytogenetic location: 20q13.33.
Variant type: single nucleotide variant.
Coding change: c.3422C>T on transcript NM_001283009.2 (MANE Select); coding-DNA position 3422, C replaced by T.
Protein change: p.Pro1141Leu; replaces proline 1141 with leucine.
Molecular consequence: missense variant. On other transcripts: non-coding transcript variant (1).
Genome position (GRCh38, 1-based): chr20:63,695,144, C>T. VCF-style: chr20-63695144-C-T. GRCh37 (hg19) VCF-style: chr20-62326497-C-T.
Other names: c.2753C>T, p.Pro918Leu (NM_001283010.1); c.3422C>T, p.Pro1141Leu (NM_016434.4); c.3494C>T, p.Pro1165Leu (NM_032957.5); short protein forms P1165L, P918L, P1141L.
Identifiers: ClinVar variation 658266 (VCV000658266.17), dbSNP rs201682415, ClinGen allele CA9966025.